The following is an entry in ClinVar:

ClinVar aggregate classification (germline): Uncertain significance (1 of 4 stars; one submission).

Conditions:
LAMA2-related muscular dystrophy (LAMA2-RD). Also called: Laminin alpha 2-related dystrophy. Identifiers: MedGen C5679788, MONDO:0100228.

Submission:

Labcorp Genetics (formerly Invitae), Labcorp
Classification: Uncertain significance for LAMA2-related muscular dystrophy. Last evaluated: 2022-08-19. Review status: criteria provided, single submitter. Criteria: Invitae Variant Classification Sherloc (09022015). Collection method: clinical testing. Allele origin: germline.
Comment: This sequence change replaces leucine, which is neutral and non-polar, with arginine, which is basic and polar, at codon 128 of the LAMA2 protein (p.Leu128Arg). This variant is not present in population databases (gnomAD no frequency). This missense change has been observed in individual(s) with LAMA2-related conditions (Invitae). In at least one individual the data is consistent with being in trans (on the opposite chromosome) from a pathogenic variant. Algorithms developed to predict the effect of missense changes on protein structure and function are either unavailable or do not agree on the potential impact of this missense change (SIFT: "Deleterious"; PolyPhen-2: "Probably Damaging"; Align-GVGD: "Class C0"). In summary, the available evidence is currently insufficient to determine the role of this variant in disease. Therefore, it has been classified as a Variant of Uncertain Significance.

NM_000426.4(LAMA2):c.383T>G (p.Leu128Arg)

Gene: LAMA2 (laminin subunit alpha 2; plus strand). Cytogenetic location: 6q22.33.
Variant type: single nucleotide variant.
Coding change: c.383T>G on transcript NM_000426.4 (MANE Select); coding-DNA position 383, T replaced by G.
Protein change: p.Leu128Arg; replaces leucine 128 with arginine.
Molecular consequence: missense variant.
Genome position (GRCh38, 1-based): chr6:129,059,883, T>G. VCF-style: chr6-129059883-T-G. GRCh37 (hg19) VCF-style: chr6-129381028-T-G.
Other names: c.383T>G, p.Leu128Arg (NM_001079823.2); short protein forms L128R.
Identifiers: ClinVar variation 2123626 (VCV002123626.4), dbSNP rs1788776032, ClinGen allele CA365828992.